The following is an entry in ClinVar:

NM_004946.3(DOCK2):c.2721del (p.His907fs)

Gene: DOCK2 (dedicator of cytokinesis 2; plus strand). Cytogenetic location: 5q35.1.
Variant type: Deletion.
Coding change: c.2721del on transcript NM_004946.3 (MANE Select); coding-DNA position 2721, one base deleted (T; older notation c.2721delT).
Protein change: p.His907fs; shifts the reading frame from histidine 907.
Molecular consequence: frameshift variant. On other transcripts: non-coding transcript variant (1).
Genome position (GRCh38, 1-based): chr5:169,840,774, T deleted. VCF-style (leftmost placement, unchanged base first): chr5-169840773-AT-A. GRCh37 (hg19) VCF-style: chr5-169267777-AT-A.
Other names: short protein forms H907fs.
Identifiers: ClinVar variation 4728963 (VCV004728963.1).

ClinVar aggregate classification (germline): Pathogenic (1 of 4 stars; one submission).

Conditions:
DOCK2 deficiency. Also called: Immunodeficiency 40. Identifiers: Orphanet 447737, MedGen C4225328, MONDO:0014637, OMIM 616433.

Submission:

Labcorp Genetics (formerly Invitae), Labcorp
Classification: Pathogenic for DOCK2 deficiency. Last evaluated: 2025-10-14. Review status: criteria provided, single submitter. Criteria: Invitae Variant Classification Sherloc (09022015). Collection method: clinical testing. Allele origin: germline.
Comment: This sequence change creates a premature translational stop signal (p.His907Glnfs*13) in the DOCK2 gene. It is expected to result in an absent or disrupted protein product. Loss-of-function variants in DOCK2 are known to be pathogenic (PMID: 26083206). This variant is not present in population databases (gnomAD no frequency). This variant has not been reported in the literature in individuals affected with DOCK2-related conditions. For these reasons, this variant has been classified as Pathogenic.

Literature cited by the submitters: PubMed 26083206.